The following is an entry in ClinVar:

NM_007103.4(NDUFV1):c.459del (p.Ala154fs)

Gene: NDUFV1 (NADH:ubiquinone oxidoreductase core subunit V1; plus strand). Cytogenetic location: 11q13.2.
Variant type: Deletion.
Coding change: c.459del on transcript NM_007103.4 (MANE Select); coding-DNA position 459, one base deleted (T; older notation c.459delT).
Protein change: p.Ala154fs; shifts the reading frame from alanine 154.
Molecular consequence: frameshift variant.
Genome position (GRCh38, 1-based): chr11:67,609,584, T deleted. VCF-style (leftmost placement, unchanged base first): chr11-67609583-CT-C. GRCh37 (hg19) VCF-style: chr11-67377054-CT-C.
Other names: c.432del, p.Ala145fs (NM_001166102.2); short protein forms A145fs, A154fs.
Identifiers: ClinVar variation 2773065 (VCV002773065.3), dbSNP rs2495718539, ClinGen allele CA2697548701.

ClinVar aggregate classification (germline): Pathogenic (1 of 4 stars; one submission).

Submission:

Labcorp Genetics (formerly Invitae), Labcorp
Classification: Pathogenic. Last evaluated: 2023-10-31. Review status: criteria provided, single submitter. Criteria: Invitae Variant Classification Sherloc (09022015). Collection method: clinical testing. Allele origin: germline.
Comment: This sequence change creates a premature translational stop signal (p.Ala154Profs*28) in the NDUFV1 gene. It is expected to result in an absent or disrupted protein product. Loss-of-function variants in NDUFV1 are known to be pathogenic (PMID: 10080174, 11349233). This variant is not present in population databases (gnomAD no frequency). This variant has not been reported in the literature in individuals affected with NDUFV1-related conditions. For these reasons, this variant has been classified as Pathogenic.

Literature cited by the submitters: PubMed 10080174; PubMed 11349233.